The following is an entry in ClinVar:

ClinVar aggregate classification (germline): Uncertain significance. Review status: criteria provided, multiple submitters, no conflicts (2 of 4 stars). 2 submissions from 2 submitters: Uncertain significance (2). Last evaluated 2025-08-13.

Conditions:
Hereditary cancer-predisposing syndrome. Also called: Neoplastic Syndromes, Hereditary; Tumor predisposition; Hereditary neoplastic syndrome; Hereditary Cancer Syndrome. Identifiers: Orphanet 140162, MedGen C0027672, MeSH D009386, MONDO:0015356.
Birt-Hogg-Dube syndrome. Also called: Birt Hogg Dubé syndrome. Identifiers: Orphanet 122, MedGen C0346010, MONDO:0800444.

Allele frequency attached by ClinVar (database versions not stated): gnomAD exomes below 0.00001; TOPMed below 0.00001.
gnomAD v4.1: 1 of 1,614,224 alleles (0.000062%); highest among the groups gnomAD compares: Non-Finnish European, 0.000085%; no homozygotes.

Submissions (2):

Labcorp Genetics (formerly Invitae), Labcorp
Classification: Uncertain significance for Birt-Hogg-Dube syndrome. Last evaluated: 2025-08-13. Review status: criteria provided, single submitter. Criteria: Invitae Variant Classification Sherloc (09022015). Collection method: clinical testing. Allele origin: germline.
Comment: This sequence change replaces alanine, which is neutral and non-polar, with threonine, which is neutral and polar, at codon 259 of the FLCN protein (p.Ala259Thr). This variant is not present in population databases (gnomAD no frequency). This variant has not been reported in the literature in individuals affected with FLCN-related conditions. ClinVar contains an entry for this variant (Variation ID: 1921452). Invitae Evidence Modeling of protein sequence and biophysical properties (such as structural, functional, and spatial information, amino acid conservation, physicochemical variation, residue mobility, and thermodynamic stability) indicates that this missense variant is not expected to disrupt FLCN protein function with a negative predictive value of 80%. In summary, the available evidence is currently insufficient to determine the role of this variant in disease. Therefore, it has been classified as a Variant of Uncertain Significance.

Ambry Genetics
Classification: Uncertain significance for Hereditary cancer-predisposing syndrome. Last evaluated: 2024-01-22. Review status: criteria provided, single submitter. Criteria: Ambry Variant Classification Scheme 2023. Collection method: clinical testing. Allele origin: germline.
Comment: The p.A259T variant (also known as c.775G>A), located in coding exon 4 of the FLCN gene, results from a G to A substitution at nucleotide position 775. The alanine at codon 259 is replaced by threonine, an amino acid with similar properties. This amino acid position is well conserved in available vertebrate species. In addition, the in silico prediction for this alteration is inconclusive. Based on the available evidence, the clinical significance of this alteration remains unclear.

NM_144997.7(FLCN):c.775G>A (p.Ala259Thr)

Gene: FLCN (folliculin; minus strand). Cytogenetic location: 17p11.2.
Variant type: single nucleotide variant.
Coding change: c.775G>A on transcript NM_144997.7 (MANE Select); coding-DNA position 775, G replaced by A.
Protein change: p.Ala259Thr; replaces alanine 259 with threonine.
Molecular consequence: missense variant.
Genome position (GRCh38, 1-based): chr17:17,222,505, C>T on the plus strand (G>A on the coding strand, the complement: FLCN is on the minus strand). VCF-style: chr17-17222505-C-T. GRCh37 (hg19) VCF-style: chr17-17125819-C-T.
Other names: c.775G>A, p.Ala259Thr (NM_001353231.2, NM_144606.7, NM_001353230.2); c.829G>A, p.Ala277Thr (NM_001353229.2); short protein forms A277T, A259T.
Identifiers: ClinVar variation 1921452 (VCV001921452.6), dbSNP rs1166916336, ClinGen allele CA398533824.
Genomic context (GRCh38, chr17:17,222,505, plus strand): 5'-ATGTATCGTGACTGCTCTATCCTAACAGATATGCCAAAAGCAGAGACGCCCGTTACCAGG[C>T]AAAGGAGGTGTGCAGGCACGCCCACAGGTTGTCATCACTTGTCAGCGATGTCAGCGAGCG-3'
Protein context (NP_659434.2, residues 249-269): NLWACLHTSF[Ala259Thr]WLLKACGSRL